The following is an entry in ClinVar:

NM_025179.4(PLXNA2):c.4667G>T (p.Arg1556Leu)

Gene: PLXNA2 (plexin A2; minus strand). Cytogenetic location: 1q32.2.
Variant type: single nucleotide variant.
Coding change: c.4667G>T on transcript NM_025179.4 (MANE Select); coding-DNA position 4667, G replaced by T.
Protein change: p.Arg1556Leu; replaces arginine 1556 with leucine.
Molecular consequence: missense variant.
Genome position (GRCh38, 1-based): chr1:208,038,468, C>A on the plus strand (G>T on the coding strand, the complement: PLXNA2 is on the minus strand). VCF-style: chr1-208038468-C-A. GRCh37 (hg19) VCF-style: chr1-208211813-C-A.
Other names: short protein forms R1556L.
Identifiers: ClinVar variation 3215543 (VCV003215543.2), dbSNP rs200636622, ClinGen allele CA344561447.
Genomic context (GRCh38, chr1:208,038,468, plus strand): 5'-CCCTCAATCTTGGTGGTGATGTCCTCATCTTGCAGCACGACCCGGGCGATCCGGCCTTGG[C>A]GCCACTCTGGGTGGAGGGGGTGGTGCAGGGAGCGGCGTGAGAGGGATGAGGGCTGTGAGC-3'
Protein context (NP_079455.3, residues 1546-1566): PRAVDMDLEW[Arg1556Leu]QGRIARVVLQ

ClinVar aggregate classification (germline): Uncertain significance. Review status: criteria provided, multiple submitters, no conflicts (2 of 4 stars). 2 submissions from 2 submitters: Uncertain significance (2). Last evaluated 2025-02-07.

Conditions:
PLXNA2-related disorder. Also called: PLXNA2-related condition.

Submissions (2):

PreventionGenetics, part of Exact Sciences
Classification: Uncertain significance for PLXNA2-related condition. Last evaluated: 2025-02-07. Review status: criteria provided, single submitter. Criteria: ACMG Guidelines, 2015. Collection method: clinical testing. Allele origin: germline.
Comment: The PLXNA2 c.4667G>T variant is predicted to result in the amino acid substitution p.Arg1556Leu. To our knowledge, this variant has not been reported in the literature. This variant is reported in 0.0018% of alleles in individuals of European (non-Finnish) descent in gnomAD. At this time, the clinical significance of this variant is uncertain due to the absence of conclusive functional and genetic evidence.

Ambry Genetics
Classification: Uncertain significance. Last evaluated: 2023-10-24. Review status: criteria provided, single submitter. Criteria: Ambry Variant Classification Scheme 2023. Collection method: clinical testing. Allele origin: germline.